The following is an entry in ClinVar:

NM_003072.5(SMARCA4):c.529C>G (p.Leu177Val)

Gene: SMARCA4 (SWI/SNF related BAF chromatin remodeling complex subunit ATPase 4; plus strand). Cytogenetic location: 19p13.2.
Variant type: single nucleotide variant.
Coding change: c.529C>G on transcript NM_003072.5 (MANE Select); coding-DNA position 529, C replaced by G.
Protein change: p.Leu177Val; replaces leucine 177 with valine.
Molecular consequence: missense variant. On other transcripts: non-coding transcript variant (1).
Genome position (GRCh38, 1-based): chr19:10,986,362, C>G. VCF-style: chr19-10986362-C-G. GRCh37 (hg19) VCF-style: chr19-11097038-C-G.
Other names: c.529C>G, p.Leu177Val (NM_001128844.3, NM_001128845.2, NM_001128846.2 and 4 more transcripts); short protein forms L177V.
Identifiers: ClinVar variation 858706 (VCV000858706.13), dbSNP rs1555753296, ClinGen allele CA404056267.
Genomic context (GRCh38, chr19:10,986,362, plus strand): 5'-GCTGACCCCCAGGCCTTGGGGCAGCAGAACCGGGGCCCAACCCCATTTAACCAGAACCAG[C>G]TGCACCAGCTCAGAGCTCAGATCATGGCCTACAAGATGCTGGCCAGGGGGCAGCCCCTCC-3'
Protein context (NP_003063.2, residues 167-187): RGPTPFNQNQ[Leu177Val]HQLRAQIMAY

ClinVar aggregate classification (germline): Uncertain significance. Review status: criteria provided, multiple submitters, no conflicts (2 of 4 stars). 3 submissions from 3 submitters: Uncertain significance (3). Last evaluated 2024-05-06.

Conditions:
Intellectual disability, autosomal dominant 16 (CSS4). Also called: COFFIN-SIRIS SYNDROME 4. Identifiers: Orphanet 1465, MedGen C3553249, MONDO:0013821, OMIM 614609.
Rhabdoid tumor predisposition syndrome 2 (RTPS2). Identifiers: Orphanet 231108, Orphanet 69077, MedGen C2750074, MONDO:0013224, OMIM 613325.

Submissions (3):

Labcorp Genetics (formerly Invitae), Labcorp
Classification: Uncertain significance for Rhabdoid tumor predisposition syndrome 2. Last evaluated: 2024-05-06. Review status: criteria provided, single submitter. Criteria: Invitae Variant Classification Sherloc (09022015). Collection method: clinical testing. Allele origin: germline.
Comment: This sequence change replaces leucine, which is neutral and non-polar, with valine, which is neutral and non-polar, at codon 177 of the SMARCA4 protein (p.Leu177Val). This variant is not present in population databases (gnomAD no frequency). This variant has not been reported in the literature in individuals affected with SMARCA4-related conditions. ClinVar contains an entry for this variant (Variation ID: 858706). Advanced modeling of protein sequence and biophysical properties (such as structural, functional, and spatial information, amino acid conservation, physicochemical variation, residue mobility, and thermodynamic stability) has been performed at Invitae for this missense variant, however the output from this modeling did not meet the statistical confidence thresholds required to predict the impact of this variant on SMARCA4 protein function. In summary, the available evidence is currently insufficient to determine the role of this variant in disease. Therefore, it has been classified as a Variant of Uncertain Significance.

Genome-Nilou Lab
Classification: Uncertain significance for Intellectual disability, autosomal dominant 16. Last evaluated: 2021-07-15. Review status: criteria provided, single submitter. Criteria: ACMG Guidelines, 2015. Collection method: clinical testing. Allele origin: germline. Affected: no.

GeneDx
Classification: Uncertain significance. Last evaluated: 2020-12-24. Review status: criteria provided, single submitter. Criteria: GeneDx Variant Classification Process June 2021. Collection method: clinical testing. Allele origin: germline. Affected: yes.
Comment: Not observed in large population cohorts (Lek et al., 2016); In silico analysis supports that this missense variant does not alter protein structure/function; Has not been previously published as pathogenic or benign to our knowledge